The following is an entry in ClinVar:

ClinVar aggregate classification (germline): Uncertain significance (1 of 4 stars; one submission).

Conditions:
Walker-Warburg congenital muscular dystrophy. Also called: Muscular dystrophy-dystroglycanopathy, type A; Walker-Warburg syndrome. Identifiers: Orphanet 899, MedGen C0265221, MONDO:0000171.
Muscular dystrophy-dystroglycanopathy (congenital with impaired intellectual development), type B, 1. Also called: MUSCULAR DYSTROPHY, CONGENITAL, POMT1-RELATED; Muscular dystrophy-dystroglycanopathy (congenital with intellectual disability), type B1. Identifiers: MedGen C5436962, MONDO:0013159, OMIM 613155.
Autosomal recessive limb-girdle muscular dystrophy type 2K. Also called: MUSCULAR DYSTROPHY-DYSTROGLYCANOPATHY (LIMB-GIRDLE), TYPE C, 1; MUSCULAR DYSTROPHY, LIMB-GIRDLE, TYPE 2K. Identifiers: Orphanet 86812, MedGen C1836373, MONDO:0012248, OMIM 609308.

gnomAD v4.1: 10 of 1,614,072 alleles (0.00062%); highest among the groups gnomAD compares: African/African-American, 0.0013%; no homozygotes.

Submission:

Labcorp Genetics (formerly Invitae), Labcorp
Classification: Uncertain significance for Muscular dystrophy-dystroglycanopathy (congenital with impaired intellectual development), type B, 1; Walker-Warburg congenital muscular dystrophy; Autosomal recessive limb-girdle muscular dystrophy type 2K. Last evaluated: 2025-12-08. Review status: criteria provided, single submitter. Criteria: Invitae Variant Classification Sherloc (09022015). Collection method: clinical testing. Allele origin: germline.
Comment: This sequence change replaces serine, which is neutral and polar, with phenylalanine, which is neutral and non-polar, at codon 299 of the POMT1 protein (p.Ser299Phe). This variant is present in population databases (rs778460873, gnomAD 0.004%). This variant has not been reported in the literature in individuals affected with POMT1-related conditions. Invitae Evidence Modeling of protein sequence and biophysical properties (such as structural, functional, and spatial information, amino acid conservation, physicochemical variation, residue mobility, and thermodynamic stability) has been performed for this missense variant. However, the output from this modeling did not meet the statistical confidence thresholds required to predict the impact of this variant on POMT1 protein function. In summary, the available evidence is currently insufficient to determine the role of this variant in disease. Therefore, it has been classified as a Variant of Uncertain Significance.

NM_001077365.2(POMT1):c.830C>T (p.Ser277Phe)

Gene: POMT1 (protein O-mannosyltransferase 1; plus strand). Cytogenetic location: 9q34.13.
Variant type: single nucleotide variant.
Coding change: c.830C>T on transcript NM_001077365.2 (MANE Select); coding-DNA position 830, C replaced by T.
Protein change: p.Ser277Phe; replaces serine 277 with phenylalanine.
Molecular consequence: missense variant. On other transcripts: synonymous variant (1), 5 prime UTR variant (1), non-coding transcript variant (10).
Genome position (GRCh38, 1-based): chr9:131,510,390, C>T. VCF-style: chr9-131510390-C-T. GRCh37 (hg19) VCF-style: chr9-134385777-C-T.
Other names: c.668C>T, p.Ser223Phe (NM_001077366.2, NM_001353194.2, NM_001374693.1); c.830C>T, p.Ser277Phe (NM_001136113.2, NM_001374690.1); c.479C>T, p.Ser160Phe (NM_001136114.2, NM_001353195.2, NM_001374691.1 and 1 more transcripts); c.896C>T, p.Ser299Phe (NM_001353193.2, NM_007171.4); c.740C>T, p.Ser247Phe (NM_001353196.2); c.734C>T, p.Ser245Phe (NM_001353197.2, NM_001353198.2); c.545C>T, p.Ser182Phe (NM_001353199.2); c.374C>T, p.Ser125Phe (NM_001353200.2); and 3 more; short protein forms S125F, S277F, S147F, S160F, S182F, S245F, S223F, S247F.
Identifiers: ClinVar variation 4787906 (VCV004787906.1).